The following is an entry in ClinVar:

NM_018486.3(HDAC8):c.925G>T (p.Ala309Ser)

Gene: HDAC8 (histone deacetylase 8; minus strand). Cytogenetic location: Xq13.1.
Variant type: single nucleotide variant.
Coding change: c.925G>T on transcript NM_018486.3 (MANE Select); coding-DNA position 925, G replaced by T.
Protein change: p.Ala309Ser; replaces alanine 309 with serine.
Molecular consequence: missense variant. On other transcripts: 3 prime UTR variant (1), non-coding transcript variant (1).
Genome position (GRCh38, 1-based): chrX:72,462,084, C>A on the plus strand (G>T on the coding strand, the complement: HDAC8 is on the minus strand). VCF-style: chrX-72462084-C-A. GRCh37 (hg19) VCF-style: chrX-71681934-C-A.
Other names: c.652G>T, p.Ala218Ser (NM_001166418.2, NM_001410728.1); c.925G>T, p.Ala309Ser (NM_001410725.1); c.847G>T, p.Ala283Ser (NM_001410727.1); c.*5G>T (NM_001410729.1); short protein forms A218S, A309S, A283S.
Identifiers: ClinVar variation 2803548 (VCV002803548.3), dbSNP rs2520356296, ClinGen allele CA413642371.
Genomic context (GRCh38, chrX:72,462,084, plus strand): 5'-AGGATAGTGTTTTCCCTAGGATGACCCCGGTCAAGTATGTCCAGCATCGAGCCGTGTTGG[C>A]AAGGTTATAGCCTCCTGTCTCCATCAAGAATTGTGAAGTTAGGAAAGAATAGTCATAAAA-3'
Protein context (NP_060956.1, residues 299-319): LILGGGGYNL[Ala309Ser]NTARCWTYLT

ClinVar aggregate classification (germline): Uncertain significance (1 of 4 stars; one submission).

Conditions:
Cornelia de Lange syndrome 5 (CDLS5). Also called: HDAC8-Related Cornelia de Lange Syndrome. Identifiers: Orphanet 199, MedGen C3550903, MONDO:0010471, OMIM 300882.

Submission:

Labcorp Genetics (formerly Invitae), Labcorp
Classification: Uncertain significance for Cornelia de Lange syndrome 5. Last evaluated: 2023-02-07. Review status: criteria provided, single submitter. Criteria: Invitae Variant Classification Sherloc (09022015). Collection method: clinical testing. Allele origin: germline.
Comment: This sequence change replaces alanine, which is neutral and non-polar, with serine, which is neutral and polar, at codon 309 of the HDAC8 protein (p.Ala309Ser). This variant is not present in population databases (gnomAD no frequency). This variant has not been reported in the literature in individuals affected with HDAC8-related conditions. Advanced modeling of protein sequence and biophysical properties (such as structural, functional, and spatial information, amino acid conservation, physicochemical variation, residue mobility, and thermodynamic stability) performed at Invitae indicates that this missense variant is not expected to disrupt HDAC8 protein function. In summary, the available evidence is currently insufficient to determine the role of this variant in disease. Therefore, it has been classified as a Variant of Uncertain Significance.